The following is an entry in ClinVar:

NM_000287.4(PEX6):c.2273C>A (p.Ala758Asp)

Gene: PEX6 (peroxisomal biogenesis factor 6; minus strand). Cytogenetic location: 6p21.1.
Variant type: single nucleotide variant.
Coding change: c.2273C>A on transcript NM_000287.4 (MANE Select); coding-DNA position 2273, C replaced by A.
Protein change: p.Ala758Asp; replaces alanine 758 with aspartic acid.
Molecular consequence: missense variant.
Genome position (GRCh38, 1-based): chr6:42,966,269, G>T on the plus strand (C>A on the coding strand, the complement: PEX6 is on the minus strand). VCF-style: chr6-42966269-G-T. GRCh37 (hg19) VCF-style: chr6-42934007-G-T.
Other names: c.2009C>A, p.Ala670Asp (NM_001316313.2); short protein forms A758D, A670D.
Identifiers: ClinVar variation 2585118 (VCV002585118.1), dbSNP rs2481207729, ClinGen allele CA364152159.

ClinVar aggregate classification (germline): Uncertain significance (1 of 4 stars; one submission).

Conditions:
Peroxisome biogenesis disorder 4B (PBD4B). Also called: SPINOCEREBELLAR ATAXIA WITH BLINDNESS AND DEAFNESS 1. Identifiers: Orphanet 44, Orphanet 95433, MedGen C3553937, MONDO:0013931, OMIM 614863.

Submission:

Neuberg Centre For Genomic Medicine, NCGM
Classification: Uncertain significance for Peroxisome biogenesis disorder 4B. Review status: criteria provided, single submitter. Criteria: ACMG Guidelines, 2015. Collection method: clinical testing. Allele origin: germline. Inheritance: Autosomal recessive inheritance. Affected: yes.
Comment: The missense variant c.2273C>A (p.Ala758Asp) in PEX6 gene has not been reported previously as a pathogenic variant nor as a benign variant, to our knowledge. The p.Ala758Asp variant is novel (not in any individuals) in gnomAD Exomes and 1000 Genomes. This variant has not been reported to the ClinVar database. The amino acid Ala at position 758 is changed to a Asp changing protein sequence and it might alter its composition and physico-chemical properties. The amino acid change p.Ala758Asp in PEX6 is predicted as conserved by GERP++ and PhyloP across 100 vertebrates. For these reasons, this variant has been classified as Uncertain Significance (VUS).